The following is an entry in ClinVar:

ClinVar aggregate classification (germline): Uncertain significance (1 of 4 stars; one submission).

Conditions:
RASopathy. Also called: rasopathies; Noonan spectrum disorder. Identifiers: Orphanet 536391, MedGen C5555857, MONDO:0021060.

Submission:

Labcorp Genetics (formerly Invitae), Labcorp
Classification: Uncertain significance for RASopathy. Last evaluated: 2023-10-26. Review status: criteria provided, single submitter. Criteria: Invitae Variant Classification Sherloc (09022015). Collection method: clinical testing. Allele origin: germline.
Comment: This sequence change replaces glutamine, which is neutral and polar, with proline, which is neutral and non-polar, at codon 867 of the CBL protein (p.Gln867Pro). This variant is not present in population databases (gnomAD no frequency). This variant has not been reported in the literature in individuals affected with CBL-related conditions. Advanced modeling of protein sequence and biophysical properties (such as structural, functional, and spatial information, amino acid conservation, physicochemical variation, residue mobility, and thermodynamic stability) performed at Invitae indicates that this missense variant is not expected to disrupt CBL protein function with a negative predictive value of 95%. In summary, the available evidence is currently insufficient to determine the role of this variant in disease. Therefore, it has been classified as a Variant of Uncertain Significance.

NM_005188.4(CBL):c.2600A>C (p.Gln867Pro)

Gene: CBL (Cbl proto-oncogene; plus strand). Cytogenetic location: 11q23.3.
Variant type: single nucleotide variant.
Coding change: c.2600A>C on transcript NM_005188.4 (MANE Select); coding-DNA position 2600, A replaced by C.
Protein change: p.Gln867Pro; replaces glutamine 867 with proline.
Molecular consequence: missense variant.
Genome position (GRCh38, 1-based): chr11:119,299,660, A>C. VCF-style: chr11-119299660-A-C. GRCh37 (hg19) VCF-style: chr11-119170370-A-C.
Other names: short protein forms Q867P.
Identifiers: ClinVar variation 2768228 (VCV002768228.3), dbSNP rs2496976081, ClinGen allele CA382933137.